The following is an entry in ClinVar:

ClinVar aggregate classification (germline): Uncertain significance. Review status: criteria provided, multiple submitters, no conflicts (2 of 4 stars). 7 submissions from 6 submitters: Uncertain significance (6). 1 of the submissions does not count toward it. Last evaluated 2025-07-27.

Conditions:
COL1A2-related disorder. Also called: COL1A2-related condition; COL1A2-Related Disorders.
Cardiovascular phenotype. Identifiers: MedGen CN230736.
Osteogenesis imperfecta type I (OI1). Also called: Osteogenesis imperfecta type 1; OI, TYPE I; OSTEOGENESIS IMPERFECTA TARDA; OSTEOGENESIS IMPERFECTA WITH BLUE SCLERAE; Lobstein disease; Lobstein's Disease. Identifiers: Orphanet 216796, Orphanet 666, MedGen C0023931, MONDO:0008146, OMIM 166200. Disease mechanism: loss of function.
Ehlers-Danlos syndrome, classic type, 1 (EDSCL1). Also called: EHLERS-DANLOS SYNDROME, GRAVIS TYPE; EHLERS-DANLOS SYNDROME, SEVERE CLASSIC TYPE; Ehlers-Danlos Syndrome, Classic Type, COL5A1-Related; EDS I; Ehlers-Danlos syndrome, type 1. Identifiers: MedGen C0268335, MONDO:0019567, OMIM 130000.
Osteogenesis imperfecta (OI). Identifiers: Orphanet 666, MedGen C0029434, MeSH D010013, MONDO:0019019.
Ehlers-Danlos syndrome, arthrochalasia type, 2. Also called: EHLERS-DANLOS SYNDROME, TYPE VIIB, AUTOSOMAL DOMINANT. Identifiers: MedGen CN293783, MONDO:0040501, OMIM 617821.

Allele frequency attached by ClinVar (database versions not stated): TOPMed 0.00002; ESP Exome Variant Server 0.00008.
gnomAD v4.1: 85 of 1,613,738 alleles (0.0053%); highest among the groups gnomAD compares: Non-Finnish European, 0.0072%; no homozygotes.

Submissions (7):

Labcorp Genetics (formerly Invitae), Labcorp
Classification: Uncertain significance for Osteogenesis imperfecta type I; Ehlers-Danlos syndrome, classic type, 1. Last evaluated: 2025-07-27. Review status: criteria provided, single submitter. Criteria: Invitae Variant Classification Sherloc (09022015). Collection method: clinical testing. Allele origin: germline.
Comment: This sequence change replaces proline, which is neutral and non-polar, with serine, which is neutral and polar, at codon 857 of the COL1A2 protein (p.Pro857Ser). This variant is present in population databases (rs150179964, gnomAD 0.009%). This variant has not been reported in the literature in individuals affected with COL1A2-related conditions. ClinVar contains an entry for this variant (Variation ID: 360965). Invitae Evidence Modeling of protein sequence and biophysical properties (such as structural, functional, and spatial information, amino acid conservation, physicochemical variation, residue mobility, and thermodynamic stability) indicates that this missense variant is not expected to disrupt COL1A2 protein function with a negative predictive value of 95%. In summary, the available evidence is currently insufficient to determine the role of this variant in disease. Therefore, it has been classified as a Variant of Uncertain Significance.

CeGaT Center for Human Genetics Tuebingen
Classification: Uncertain significance. Last evaluated: 2025-06-01. Review status: criteria provided, single submitter. Criteria: CeGaT Center For Human Genetics Tuebingen Variant Classification Criteria Version 2. Collection method: clinical testing. Allele origin: germline. Affected: yes. Observed: 1 variant allele.

GeneDx
Classification: Uncertain significance. Last evaluated: 2022-12-30. Review status: criteria provided, single submitter. Criteria: GeneDx Variant Classification Process June 2021. Collection method: clinical testing. Allele origin: germline. Affected: yes.
Comment: Has not been previously published as pathogenic or benign to our knowledge; In silico analysis supports that this missense variant has a deleterious effect on protein structure/function; Occurs in the triple helical domain at the X position in the canonical Gly-X-Y repeat. Although this variant may have an effect on normal protein folding and function, missense substitution at the X position is not a common mechanism of disease (HGMD)

Ambry Genetics
Classification: Uncertain significance for Cardiovascular phenotype. Last evaluated: 2019-11-14. Review status: criteria provided, single submitter. Criteria: Ambry Variant Classification Scheme 2023. Collection method: clinical testing. Allele origin: germline.
Comment: The p.P857S variant (also known as c.2569C>T), located in coding exon 41 of the COL1A2 gene, results from a C to T substitution at nucleotide position 2569. The proline at codon 857 is replaced by serine, an amino acid with similar properties. An alternate amino acid substitution at this position, p.P857T (c.2569C>A), has been reported in individuals with osteogenesis imperfecta; however, affected individuals also had additional collagen-related variants detected (Ho Duy B et al. Hum. Genomics, 2016 08;10:27; Li L et al. Hum. Mutat., 2019 05;40:588-600; Wang D et al. Front Endocrinol (Lausanne), 2019 Mar;10:193). This amino acid position is well conserved in available vertebrate species; however, serine is the reference amino acid in other vertebrate species. In addition, the in silico prediction for this alteration is inconclusive. Since supporting evidence is limited at this time, the clinical significance of this alteration remains unclear.

Illumina Laboratory Services, Illumina
Classification: Uncertain significance for Ehlers-Danlos syndrome, arthrochalasia type, 2. Last evaluated: 2018-01-13. Review status: criteria provided, single submitter. Criteria: ICSL Variant Classification Criteria 13 December 2019. Collection method: clinical testing. Allele origin: germline.

Illumina Laboratory Services, Illumina
Classification: Uncertain significance for Osteogenesis imperfecta. Last evaluated: 2018-01-13. Review status: criteria provided, single submitter. Criteria: ICSL Variant Classification Criteria 13 December 2019. Collection method: clinical testing. Allele origin: germline.

PreventionGenetics, part of Exact Sciences
Classification: Uncertain significance for COL1A2-related condition. Last evaluated: 2024-05-15. Review status: no assertion criteria provided. Collection method: clinical testing. Allele origin: germline. Not counted in ClinVar's aggregate classification.
Comment: The COL1A2 c.2569C>T variant is predicted to result in the amino acid substitution p.Pro857Ser. To our knowledge, this variant has not been reported in the literature. This variant is reported in 0.0097% of alleles in individuals of European (Non-Finnish) descent in gnomAD. An alternate nucleotide change affecting the same amino acid (c.2569C>A, p.Pro857Thr) has been reported in individuals with osteogenesis imperfecta; however, all reported individuals also harbored a second variant in COL1A1 or COL1A2 genes (Ho Duy et al. 2016. PubMed ID: 27519266; Li et al. 2019. PubMed ID: 30715774; Wang et al. 2019. PubMed ID: 30984112). At this time, the clinical significance of the c.2569C>T (p.Pro857Ser) variant is uncertain due to the absence of conclusive functional and genetic evidence.

Literature cited by the submitters: PubMed 27519266 (cited by Ambry Genetics); PubMed 30715774 (cited by Ambry Genetics); PubMed 30984112 (cited by Ambry Genetics).

NM_000089.4(COL1A2):c.2569C>T (p.Pro857Ser)

Gene: COL1A2 (collagen type I alpha 2 chain; plus strand). Cytogenetic location: 7q21.3.
Variant type: single nucleotide variant.
Coding change: c.2569C>T on transcript NM_000089.4 (MANE Select); coding-DNA position 2569, C replaced by T.
Protein change: p.Pro857Ser; replaces proline 857 with serine.
Molecular consequence: missense variant.
Genome position (GRCh38, 1-based): chr7:94,424,339, C>T. VCF-style: chr7-94424339-C-T. GRCh37 (hg19) VCF-style: chr7-94053651-C-T.
Other names: short protein forms P857S.
Identifiers: ClinVar variation 360965 (VCV000360965.25), dbSNP rs150179964, ClinGen allele CA4347502.
Genomic context (GRCh38, chr7:94,424,339, plus strand): 5'-ACCTGTGTTATCACCTAGGGTCTTACCCATAATACTCAGTATTTTTTCTCTATTTAGGGA[C>T]CTCCTGGCACTCCAGGTCCTCAGGGTCTTCTTGGTGCTCCTGGTATTCTGGGTCTCCCTG-3'
Protein context (NP_000080.2, residues 847-867): GPSGEAGTAG[Pro857Ser]PGTPGPQGLL